The following is an entry in ClinVar:

NM_001370259.2(MEN1):c.411G>C (p.Arg137=)

Gene: MEN1 (menin 1; minus strand). Cytogenetic location: 11q13.1.
Variant type: single nucleotide variant.
Coding change: c.411G>C on transcript NM_001370259.2 (MANE Select); coding-DNA position 411, G replaced by C.
Protein change: p.Arg137=; no amino-acid change (arginine 137 retained).
Molecular consequence: synonymous variant.
Genome position (GRCh38, 1-based): chr11:64,809,699, C>G on the plus strand (G>C on the coding strand, the complement: MEN1 is on the minus strand). VCF-style: chr11-64809699-C-G. GRCh37 (hg19) VCF-style: chr11-64577171-C-G.
Other names: c.411G>C, p.Arg137= (NM_000244.4, NM_001370251.2, NM_001370260.2 and 9 more transcripts).
Identifiers: ClinVar variation 755051 (VCV000755051.12), dbSNP rs371437505, ClinGen allele CA061118.

ClinVar aggregate classification (germline): Benign/Likely benign. Review status: criteria provided, multiple submitters, no conflicts (2 of 4 stars). 3 submissions from 3 submitters: Benign (1); Likely benign (2). Last evaluated 2025-09-03.

Conditions:
Hereditary cancer-predisposing syndrome. Also called: Tumor predisposition; Hereditary Cancer Syndrome; Neoplastic Syndromes, Hereditary; Hereditary neoplastic syndrome. Identifiers: Orphanet 140162, MedGen C0027672, MeSH D009386, MONDO:0015356.
Multiple endocrine neoplasia, type 1 (MEN1). Also called: MEA I; MEN I; WERMER SYNDROME; Endocrine adenomatosis multiple; MEN 1. Identifiers: Orphanet 652, MedGen C0025267, MeSH D018761, MONDO:0007540, OMIM 131100.

Allele frequency attached by ClinVar (database versions not stated): gnomAD exomes below 0.00001; ExAC 0.00001; ESP Exome Variant Server 0.00008.

Submissions (3):

Labcorp Genetics (formerly Invitae), Labcorp
Classification: Likely benign for Multiple endocrine neoplasia, type 1. Last evaluated: 2025-09-03. Review status: criteria provided, single submitter. Criteria: Invitae Variant Classification Sherloc (09022015). Collection method: clinical testing. Allele origin: germline.

Myriad Genetics, Inc.
Classification: Benign for Multiple endocrine neoplasia, type 1. Last evaluated: 2024-11-01. Review status: criteria provided, single submitter. Criteria: Myriad Autosomal Dominant, Autosomal Recessive and X-Linked Classification Criteria (2023). Collection method: clinical testing. Allele origin: unknown.
Comment: This variant is considered benign. This variant is a silent/synonymous amino acid change and it is not expected to impact splicing.

Ambry Genetics
Classification: Likely benign for Hereditary cancer-predisposing syndrome. Last evaluated: 2020-03-30. Review status: criteria provided, single submitter. Criteria: Ambry Variant Classification Scheme 2023. Collection method: clinical testing. Allele origin: germline.